The following is an entry in ClinVar:

NM_005334.3(HCFC1):c.1756A>G (p.Thr586Ala)

Gene: HCFC1 (host cell factor C1; minus strand). Cytogenetic location: Xq28.
Variant type: single nucleotide variant.
Coding change: c.1756A>G on transcript NM_005334.3 (MANE Select); coding-DNA position 1756, A replaced by G.
Protein change: p.Thr586Ala; replaces threonine 586 with alanine.
Molecular consequence: missense variant.
Genome position (GRCh38, 1-based): chrX:153,958,616, T>C on the plus strand (A>G on the coding strand, the complement: HCFC1 is on the minus strand). VCF-style: chrX-153958616-T-C. GRCh37 (hg19) VCF-style: chrX-153224067-T-C.
Other names: c.1756A>G (NM_005334.2); c.1756A>G, p.Thr586Ala (NM_001410705.1); short protein forms T586A.
Identifiers: ClinVar variation 2914464 (VCV002914464.5), dbSNP rs997841591, ClinGen allele CA337256529.

ClinVar aggregate classification (germline): Conflicting classifications of pathogenicity. Review status: criteria provided, conflicting classifications (1 of 4 stars). 3 submissions from 3 submitters: Uncertain significance (1); Likely benign (2). Last evaluated 2026-09-01.

Conditions:
Methylmalonic acidemia with homocystinuria, type cblX (MAHCX). Also called: INTELLECTUAL DEVELOPMENTAL DISORDER, X-LINKED 3. Identifiers: Orphanet 369962, MedGen C0796208, MONDO:0010657, OMIM 309541.
Inborn genetic diseases. Identifiers: MedGen C0950123, MeSH D030342.

Allele frequency attached by ClinVar (database versions not stated): gnomAD 0.00001; TOPMed 0.00001.
gnomAD v4.1: 23 of 1,207,571 alleles (0.0019%); highest among the groups gnomAD compares: Non-Finnish European, 0.0025%; no homozygotes.

Submissions (3):

CeGaT Center for Human Genetics Tuebingen
Classification: Likely benign. Last evaluated: 2026-09-01. Review status: criteria provided, single submitter. Criteria: CeGaT Center For Human Genetics Tuebingen Variant Classification Criteria Version 2. Collection method: clinical testing. Allele origin: germline. Affected: yes. Observed: 1 variant allele.
Comment: HCFC1: PP2, BS2

Labcorp Genetics (formerly Invitae), Labcorp
Classification: Likely benign for Methylmalonic acidemia with homocystinuria, type cblX. Last evaluated: 2025-08-19. Review status: criteria provided, single submitter. Criteria: Invitae Variant Classification Sherloc (09022015). Collection method: clinical testing. Allele origin: germline.

Ambry Genetics
Classification: Uncertain significance for Inborn genetic diseases. Last evaluated: 2023-12-07. Review status: criteria provided, single submitter. Criteria: Ambry Variant Classification Scheme 2023. Collection method: clinical testing. Allele origin: germline.